The following is an entry in ClinVar:

NM_014727.3(KMT2B):c.6995G>T (p.Arg2332Leu)

Gene: KMT2B (lysine methyltransferase 2B; plus strand). Cytogenetic location: 19q13.12.
Variant type: single nucleotide variant.
Coding change: c.6995G>T on transcript NM_014727.3 (MANE Select); coding-DNA position 6995, G replaced by T.
Protein change: p.Arg2332Leu; replaces arginine 2332 with leucine.
Molecular consequence: missense variant.
Genome position (GRCh38, 1-based): chr19:35,733,632, G>T. VCF-style: chr19-35733632-G-T. GRCh37 (hg19) VCF-style: chr19-36224533-G-T.
Other names: short protein forms R2332L.
Identifiers: ClinVar variation 2844834 (VCV002844834.3), dbSNP rs758088530, ClinGen allele CA405431096.

ClinVar aggregate classification (germline): Uncertain significance (1 of 4 stars; one submission).

gnomAD v4.1: 1 of 1,595,246 alleles (0.000063%); highest among the groups gnomAD compares: Non-Finnish European, 0.000085%; no homozygotes.

Submission:

Labcorp Genetics (formerly Invitae), Labcorp
Classification: Uncertain significance. Last evaluated: 2023-10-23. Review status: criteria provided, single submitter. Criteria: Invitae Variant Classification Sherloc (09022015). Collection method: clinical testing. Allele origin: germline.
Comment: This sequence change replaces arginine, which is basic and polar, with leucine, which is neutral and non-polar, at codon 2332 of the KMT2B protein (p.Arg2332Leu). This variant is not present in population databases (gnomAD no frequency). This variant has not been reported in the literature in individuals affected with KMT2B-related conditions. Advanced modeling of protein sequence and biophysical properties (such as structural, functional, and spatial information, amino acid conservation, physicochemical variation, residue mobility, and thermodynamic stability) performed at Invitae indicates that this missense variant is not expected to disrupt KMT2B protein function with a negative predictive value of 95%. In summary, the available evidence is currently insufficient to determine the role of this variant in disease. Therefore, it has been classified as a Variant of Uncertain Significance.